The following is an entry in ClinVar:

ClinVar aggregate classification (germline): Uncertain significance (1 of 4 stars; one submission).

Conditions:
Dilated cardiomyopathy 1DD (CMD1DD). Identifiers: Orphanet 154, MedGen C2750995, MONDO:0013168, OMIM 613172.

Submission:

Labcorp Genetics (formerly Invitae), Labcorp
Classification: Uncertain significance for Dilated cardiomyopathy 1DD. Last evaluated: 2024-10-20. Review status: criteria provided, single submitter. Criteria: Invitae Variant Classification Sherloc (09022015). Collection method: clinical testing. Allele origin: germline.
Comment: This sequence change replaces leucine, which is neutral and non-polar, with valine, which is neutral and non-polar, at codon 137 of the RBM20 protein (p.Leu137Val). This variant is not present in population databases (gnomAD no frequency). This variant has not been reported in the literature in individuals affected with RBM20-related conditions. ClinVar contains an entry for this variant (Variation ID: 1036824). Invitae Evidence Modeling of protein sequence and biophysical properties (such as structural, functional, and spatial information, amino acid conservation, physicochemical variation, residue mobility, and thermodynamic stability) indicates that this missense variant is not expected to disrupt RBM20 protein function with a negative predictive value of 95%. Algorithms developed to predict the effect of sequence changes on RNA splicing suggest that this variant may create or strengthen a splice site. In summary, the available evidence is currently insufficient to determine the role of this variant in disease. Therefore, it has been classified as a Variant of Uncertain Significance.

NM_001134363.3(RBM20):c.409C>G (p.Leu137Val)

Gene: RBM20 (RNA binding motif protein 20; plus strand). Cytogenetic location: 10q25.2.
Variant type: single nucleotide variant.
Coding change: c.409C>G on transcript NM_001134363.3 (MANE Select); coding-DNA position 409, C replaced by G.
Protein change: p.Leu137Val; replaces leucine 137 with valine.
Molecular consequence: missense variant.
Genome position (GRCh38, 1-based): chr10:110,781,018, C>G. VCF-style: chr10-110781018-C-G. GRCh37 (hg19) VCF-style: chr10-112540776-C-G.
Other names: short protein forms L137V.
Identifiers: ClinVar variation 1036824 (VCV001036824.8), dbSNP rs876657570, ClinGen allele CA378380095.